The following is an entry in ClinVar:

NM_000441.2(SLC26A4):c.289G>T (p.Val97Leu)

Gene: SLC26A4 (solute carrier family 26 member 4; plus strand). Cytogenetic location: 7q22.3.
Variant type: single nucleotide variant.
Coding change: c.289G>T on transcript NM_000441.2 (MANE Select); coding-DNA position 289, G replaced by T.
Protein change: p.Val97Leu; replaces valine 97 with leucine.
Molecular consequence: missense variant.
Genome position (GRCh38, 1-based): chr7:107,663,420, G>T. VCF-style: chr7-107663420-G-T. GRCh37 (hg19) VCF-style: chr7-107303865-G-T.
Other names: short protein forms V97L.
Identifiers: ClinVar variation 2050509 (VCV002050509.1), dbSNP rs200139879, ClinGen allele CA4432412.

ClinVar aggregate classification (germline): Uncertain significance (1 of 4 stars; one submission).

Allele frequency attached by ClinVar (database versions not stated): gnomAD 0.00003; gnomAD exomes 0.00003; TOPMed 0.00004; ExAC 0.00006; 1000 Genomes Project 0.00020; 1000 Genomes Project 30x 0.00031.
gnomAD v4.1: 24 of 1,614,106 alleles (0.0015%); highest among the groups gnomAD compares: Admixed American, 0.04%; no homozygotes.

Submission:

Labcorp Genetics (formerly Invitae), Labcorp
Classification: Uncertain significance. Last evaluated: 2022-07-06. Review status: criteria provided, single submitter. Criteria: Invitae Variant Classification Sherloc (09022015). Collection method: clinical testing. Allele origin: germline.
Comment: This sequence change replaces valine, which is neutral and non-polar, with leucine, which is neutral and non-polar, at codon 97 of the SLC26A4 protein (p.Val97Leu). This variant is present in population databases (rs200139879, gnomAD 0.04%). This variant has not been reported in the literature in individuals affected with SLC26A4-related conditions. Advanced modeling of protein sequence and biophysical properties (such as structural, functional, and spatial information, amino acid conservation, physicochemical variation, residue mobility, and thermodynamic stability) performed at Invitae indicates that this missense variant is not expected to disrupt SLC26A4 protein function. In summary, the available evidence is currently insufficient to determine the role of this variant in disease. Therefore, it has been classified as a Variant of Uncertain Significance.